The following is an entry in ClinVar:

ClinVar aggregate classification (germline): Pathogenic. Review status: criteria provided, multiple submitters, no conflicts (2 of 4 stars). 4 submissions from 4 submitters: Pathogenic (4). Last evaluated 2024-03-26.

Conditions:
Propionic acidemia (PROP). Also called: GLYCINEMIA, KETOTIC; HYPERGLYCINEMIA WITH KETOACIDOSIS AND LEUKOPENIA; KETOTIC HYPERGLYCINEMIA. Identifiers: Orphanet 35, MedGen C0268579, MONDO:0011628, OMIM 606054, HP:0003571.

Allele frequency attached by ClinVar (database versions not stated): TOPMed 0.00001.
gnomAD v4.1: 4 of 1,607,984 alleles (0.00025%); highest among the groups gnomAD compares: East Asian, 0.0022%; no homozygotes.

Submissions (4):

Genomic Medicine Center of Excellence, King Faisal Specialist Hospital and Research Centre
Classification: Pathogenic for Propionic acidemia. Last evaluated: 2024-03-26. Review status: criteria provided, single submitter. Criteria: ACMG Guidelines, 2015. Collection method: clinical testing. Allele origin: germline.

Labcorp Genetics (formerly Invitae), Labcorp
Classification: Pathogenic for Propionic acidemia. Last evaluated: 2023-04-06. Review status: criteria provided, single submitter. Criteria: Invitae Variant Classification Sherloc (09022015). Collection method: clinical testing. Allele origin: germline.
Comment: For these reasons, this variant has been classified as Pathogenic. Algorithms developed to predict the effect of sequence changes on RNA splicing suggest that this variant may disrupt the consensus splice site. ClinVar contains an entry for this variant (Variation ID: 851298). This premature translational stop signal has been observed in individual(s) with clinical features of propionic acidemia (PMID: 24059531). This variant is present in population databases (rs776821944, gnomAD 0.005%). This sequence change creates a premature translational stop signal (p.Arg430*) in the PCCA gene. It is expected to result in an absent or disrupted protein product. Loss-of-function variants in PCCA are known to be pathogenic (PMID: 15464417).

Women's Health and Genetics/Laboratory Corporation of America, LabCorp
Classification: Pathogenic for Propionic acidemia. Last evaluated: 2023-04-04. Review status: criteria provided, single submitter. Criteria: LabCorp Variant Classification Summary - May 2015. Collection method: clinical testing. Allele origin: germline.
Comment: Variant summary: PCCA c.1288C>T (p.Arg430X) results in a premature termination codon, predicted to cause a truncation of the encoded protein or absence of the protein due to nonsense mediated decay, which are commonly known mechanisms for disease. Truncations downstream of this position have been classified as pathogenic by our laboratory. The variant allele was found at a frequency of 4e-06 in 250312 control chromosomes. c.1288C>T has been reported in the literature in individuals affected with Propionic Acidemia. These data indicate that the variant may be associated with disease. One clinical diagnostic laboratory has submitted clinical-significance assessments for this variant to ClinVar after 2014 without evidence for independent evaluation and classified the variant as pathogenic. Based on the evidence outlined above, the variant was classified as pathogenic.

Baylor Genetics
Classification: Pathogenic for Propionic acidemia. Last evaluated: 2023-03-30. Review status: criteria provided, single submitter. Criteria: ACMG Guidelines, 2015. Collection method: clinical testing. Allele origin: unknown.

Literature cited by the submitters: PubMed 24059531 (cited by Labcorp Genetics (formerly Invitae), Labcorp); PubMed 15464417 (cited by Labcorp Genetics (formerly Invitae), Labcorp); PubMed 35331292 (cited by Women's Health and Genetics/Laboratory Corporation of America, LabCorp).

NM_000282.4(PCCA):c.1288C>T (p.Arg430Ter)

Gene: PCCA (propionyl-CoA carboxylase subunit alpha; plus strand). Cytogenetic location: 13q32.3.
Variant type: single nucleotide variant.
Coding change: c.1288C>T on transcript NM_000282.4 (MANE Select); coding-DNA position 1288, C replaced by T.
Protein change: p.Arg430Ter; replaces arginine 430 with a stop codon.
Molecular consequence: nonsense. On other transcripts: non-coding transcript variant (5).
Genome position (GRCh38, 1-based): chr13:100,307,195, C>T. VCF-style: chr13-100307195-C-T. GRCh37 (hg19) VCF-style: chr13-100959449-C-T.
Other names: c.1210C>T, p.Arg404Ter (NM_001127692.3, NM_001352607.2); c.1288C>T, p.Arg430Ter (NM_001178004.2, NM_001352605.2, NM_001352609.2); c.1144C>T, p.Arg382Ter (NM_001352606.2); c.1066C>T, p.Arg356Ter (NM_001352608.2); c.343C>T, p.Arg115Ter (NM_001352610.2, NM_001352611.2); c.199C>T, p.Arg67Ter (NM_001352612.2); short protein forms R404*, R430*, R67*, R115*, R356*, R382*.
Identifiers: ClinVar variation 851298 (VCV000851298.12), dbSNP rs776821944, ClinGen allele CA7033602.